The following is an entry in ClinVar:

ClinVar aggregate classification (germline): Uncertain significance (1 of 4 stars; one submission).

Allele frequency attached by ClinVar (database versions not stated): gnomAD exomes 0.00001; ExAC 0.00002; TOPMed 0.00002; gnomAD 0.00003.
gnomAD v4.1: 8 of 1,502,712 alleles (0.00053%); highest among the groups gnomAD compares: African/African-American, 0.011%; no homozygotes.

Submission:

GeneDx
Classification: Uncertain significance. Last evaluated: 2022-08-25. Review status: criteria provided, single submitter. Criteria: GeneDx Variant Classification Process June 2021. Collection method: clinical testing. Allele origin: germline. Affected: yes.
Comment: In silico analysis supports that this missense variant does not alter protein structure/function; Has not been previously published as pathogenic or benign to our knowledge

NM_001371928.1(AHDC1):c.147C>G (p.Asp49Glu)

Gene: AHDC1 (AT-hook DNA binding motif containing 1; minus strand). Cytogenetic location: 1p36.11.
Variant type: single nucleotide variant.
Coding change: c.147C>G on transcript NM_001371928.1 (MANE Select); coding-DNA position 147, C replaced by G.
Protein change: p.Asp49Glu; replaces aspartic acid 49 with glutamic acid.
Molecular consequence: missense variant.
Genome position (GRCh38, 1-based): chr1:27,551,969, G>C on the plus strand (C>G on the coding strand, the complement: AHDC1 is on the minus strand). VCF-style: chr1-27551969-G-C. GRCh37 (hg19) VCF-style: chr1-27878480-G-C.
Other names: c.147C>G, p.Asp49Glu (NM_001029882.3); short protein forms D49E.
Identifiers: ClinVar variation 2430810 (VCV002430810.1), dbSNP rs753213728, ClinGen allele CA716213.